The following is an entry in ClinVar:

NC_000006.12:g.46080079T>C

Gene: CLIC5 (CLIC family member 5; minus strand). Cytogenetic location: 6p21.1.
Variant type: single nucleotide variant.
Molecular consequence: missense variant (on NM_001114086.2). On other transcripts: intron variant (1).
Genome position: GRCh38 VCF-style: chr6-46080079-T-C. GRCh37 (hg19) VCF-style: chr6-46047816-T-C.
Other names: c.164A>G, p.Glu55Gly (NM_001114086.2, NM_001370650.1); c.-55+49425A>G (NM_001370649.1); short protein forms E55G.
Identifiers: ClinVar variation 2962811 (VCV002962811.3), dbSNP rs2533000295, ClinGen allele CA363966022.

ClinVar aggregate classification (germline): Uncertain significance (1 of 4 stars; one submission).

Submission:

Labcorp Genetics (formerly Invitae), Labcorp
Classification: Uncertain significance. Last evaluated: 2024-01-11. Review status: criteria provided, single submitter. Criteria: Invitae Variant Classification Sherloc (09022015). Collection method: clinical testing. Allele origin: germline.
Comment: This sequence change replaces glutamic acid, which is acidic and polar, with glycine, which is neutral and non-polar, at codon 55 of the CLIC5 protein (p.Glu55Gly). This variant is not present in population databases (gnomAD no frequency). This variant has not been reported in the literature in individuals affected with CLIC5-related conditions. Algorithms developed to predict the effect of missense changes on protein structure and function output the following: SIFT: "Not Available"; PolyPhen-2: "Benign"; Align-GVGD: "Not Available". The glycine amino acid residue is found in multiple mammalian species, which suggests that this missense change does not adversely affect protein function. In summary, the available evidence is currently insufficient to determine the role of this variant in disease. Therefore, it has been classified as a Variant of Uncertain Significance.